The following is an entry in ClinVar:

NM_018012.4(KIF26B):c.1016C>G (p.Thr339Arg)

Gene: KIF26B (kinesin family member 26B; plus strand). Cytogenetic location: 1q44.
Variant type: single nucleotide variant.
Coding change: c.1016C>G on transcript NM_018012.4 (MANE Select); coding-DNA position 1016, C replaced by G.
Protein change: p.Thr339Arg; replaces threonine 339 with arginine.
Molecular consequence: missense variant.
Genome position (GRCh38, 1-based): chr1:245,419,595, C>G. VCF-style: chr1-245419595-C-G. GRCh37 (hg19) VCF-style: chr1-245582897-C-G.
Other names: short protein forms T339R.
Identifiers: ClinVar variation 4981043 (VCV004981043.1).

ClinVar aggregate classification (germline): Uncertain significance (1 of 4 stars; one submission).

Conditions:
KIF26B-related disorder. Also called: KIF26B-related condition.

gnomAD v4.1: 1 of 1,610,700 alleles (0.000062%); highest among the groups gnomAD compares: South Asian, 0.0011%; no homozygotes.

Submission:

PreventionGenetics, part of Exact Sciences
Classification: Uncertain significance for KIF26B-related condition. Last evaluated: 2026-01-06. Review status: criteria provided, single submitter. Criteria: ACMG Guidelines, 2015. Collection method: clinical testing. Allele origin: germline.
Comment: The KIF26B c.1016C>G variant is predicted to result in the amino acid substitution p.Thr339Arg. To our knowledge, this variant has not been reported in the literature. This variant is reported in 0.0% of alleles in individuals of African descent in gnomAD. At this time, the clinical significance of this variant is uncertain due to the absence of conclusive functional and genetic evidence.